The following is an entry in ClinVar:

ClinVar aggregate classification (germline): Likely benign. Review status: criteria provided, multiple submitters, no conflicts (2 of 4 stars). 2 submissions from 2 submitters: Likely benign (2). Last evaluated 2025-07-30.

Conditions:
Ullrich congenital muscular dystrophy 1A. Also called: Ullrich congenital muscular dystrophy 1; Intermediate COL6-RD. Identifiers: Orphanet 75840, MedGen C0410179, MONDO:0009681, OMIM 254090.

Allele frequency attached by ClinVar (database versions not stated): ESP Exome Variant Server 0.00157; gnomAD 0.00164; TOPMed 0.00193; ExAC 0.00309; 1000 Genomes Project 0.00439; 1000 Genomes Project 30x 0.00468.

Submissions (2):

Genomic Medicine Center of Excellence, King Faisal Specialist Hospital and Research Centre
Classification: Likely benign for Ullrich congenital muscular dystrophy 1A. Last evaluated: 2025-07-30. Review status: criteria provided, single submitter. Criteria: ACMG Guidelines, 2015. Collection method: clinical testing. Allele origin: germline.

CeGaT Center for Human Genetics Tuebingen
Classification: Likely benign. Last evaluated: 2024-02-01. Review status: criteria provided, single submitter. Criteria: CeGaT Center For Human Genetics Tuebingen Variant Classification Criteria Version 2. Collection method: clinical testing. Allele origin: germline. Affected: yes. Observed: 1 variant allele.
Comment: ELMO3: BS1

NM_024712.5(ELMO3):c.850G>A (p.Val284Ile)

Gene: ELMO3 (engulfment and cell motility 3; plus strand). Cytogenetic location: 16q22.1.
Variant type: single nucleotide variant.
Coding change: c.850G>A on transcript NM_024712.5 (MANE Select); coding-DNA position 850, G replaced by A.
Protein change: p.Val284Ile; replaces valine 284 with isoleucine.
Molecular consequence: missense variant.
Genome position (GRCh38, 1-based): chr16:67,201,574, G>A. VCF-style: chr16-67201574-G-A. GRCh37 (hg19) VCF-style: chr16-67235477-G-A.
Other names: short protein forms V284I.
Identifiers: ClinVar variation 3024909 (VCV003024909.23), dbSNP rs183146864, ClinGen allele CA8104476.